The following is an entry in ClinVar:

ClinVar aggregate classification (germline): Conflicting classifications of pathogenicity. Review status: criteria provided, conflicting classifications (1 of 4 stars). 2 submissions from 2 submitters: Uncertain significance (1); Benign (1). Last evaluated 2025-02-16.

Conditions:
Incontinentia pigmenti syndrome (IP). Also called: INCONTINENTIA PIGMENTI, TYPE II; BLOCH-SULZBERGER SYNDROME; Incontinentia Pigmenti; INCONTINENTIA PIGMENTI, FAMILIAL MALE-LETHAL TYPE. Identifiers: Orphanet 464, MedGen C0021171, MONDO:0010631, OMIM 308300.

Submissions (2):

Laboratory of Genetics, Children's Clinical University Hospital Latvia
Classification: Benign. Last evaluated: 2025-02-16. Review status: criteria provided, single submitter. Criteria: ACMG Guidelines, 2015. Collection method: clinical testing. Allele origin: germline. Affected: yes.

Center for Precision Genome Editing and Genetic Technologies for Biomedicine, Pirogov Russian National Research Medical University
Classification: Uncertain significance for Incontinentia pigmenti syndrome. Last evaluated: 2024-04-08. Review status: criteria provided, single submitter. Criteria: ACMG Guidelines, 2015. Collection method: clinical testing. Allele origin: germline. Inheritance: X-linked dominant inheritance. Affected: yes. Observed: 1 heterozygote.
Comment: IKBKG(NM_001377312.1):c.523C>T (p.Arg175Trp). This missense variant results in an amino acid substitution within the splicing domain. Its effect on splicing remains unknown. The variant is located in a hot spot where most missense variants are classified as pathogenic or likely pathogenic; therefore, the PM1 criterion applies. An alternative variant, chrX:154560412G>C (Arg175Pro), is classified as Pathogenic by UniProt Variants but as Uncertain Significance by the germline classifier, meeting the PM5 criterion. This variant has been detected in control samples with an allele frequency of 0.000627. Based on the applied ACMG/AMP criteria (PM1, PM5), this variant meets the classification for VUS in incontinentia pigmenti.

NM_001099857.5(IKBKG):c.523C>T (p.Arg175Trp)

Gene: IKBKG (inhibitor of nuclear factor kappa B kinase regulatory subunit gamma; plus strand). Cytogenetic location: Xq28.
Variant type: single nucleotide variant.
Coding change: c.523C>T on transcript NM_001099857.5 (MANE Select); coding-DNA position 523, C replaced by T.
Protein change: p.Arg175Trp; replaces arginine 175 with tryptophan.
Molecular consequence: missense variant. On other transcripts: intron variant (3).
Genome position (GRCh38, 1-based): chrX:154,560,411, C>T. VCF-style: chrX-154560411-C-T. GRCh37 (hg19) VCF-style: chrX-153788626-C-T.
Other names: c.727C>T, p.Arg243Trp (NM_001099856.6); c.523C>T, p.Arg175Trp (NM_001321396.3, NM_001377312.1, NM_003639.4); c.520C>T, p.Arg174Trp (NM_001321397.3, NM_001377313.1); c.519-1277C>T (NM_001145255.4); c.516-1277C>T (NM_001377314.1); c.400-2399C>T (NM_001377315.1); short protein forms R174W, R175W, R243W.
Identifiers: ClinVar variation 3602637 (VCV003602637.3).